The following is an entry in ClinVar:

ClinVar aggregate classification (germline): Likely pathogenic (1 of 4 stars; one submission).

Conditions:
Metachromatic leukodystrophy (MLD). Also called: Arylsulfatase A Deficiency; SULFATIDE LIPIDOSIS; ARSA DEFICIENCY; CEREBROSIDE SULFATASE DEFICIENCY; METACHROMATIC LEUKOENCEPHALOPATHY; Cerebral sclerosis diffuse metachromatic form. Identifiers: Orphanet 512, MedGen C0023522, MONDO:0018868, OMIM 250100.

Allele frequency attached by ClinVar (database versions not stated): gnomAD exomes below 0.00001.

Submission:

Labcorp Genetics (formerly Invitae), Labcorp
Classification: Likely pathogenic for Metachromatic leukodystrophy. Last evaluated: 2023-09-08. Review status: criteria provided, single submitter. Criteria: Invitae Variant Classification Sherloc (09022015). Collection method: clinical testing. Allele origin: germline.
Comment: This sequence change replaces proline, which is neutral and non-polar, with serine, which is neutral and polar, at codon 150 of the ARSA protein (p.Pro150Ser). In summary, the currently available evidence indicates that the variant is pathogenic, but additional data are needed to prove that conclusively. Therefore, this variant has been classified as Likely Pathogenic. This variant disrupts the p.Pro150 amino acid residue in ARSA. Other variant(s) that disrupt this residue have been determined to be pathogenic (PMID: 23845948, 26462614, 30828547). This suggests that this residue is clinically significant, and that variants that disrupt this residue are likely to be disease-causing. Advanced modeling of protein sequence and biophysical properties (such as structural, functional, and spatial information, amino acid conservation, physicochemical variation, residue mobility, and thermodynamic stability) performed at Invitae indicates that this missense variant is expected to disrupt ARSA protein function. ClinVar contains an entry for this variant (Variation ID: 1389782). This variant has not been reported in the literature in individuals affected with ARSA-related conditions. This variant is not present in population databases (gnomAD no frequency).

Literature cited by the submitters: PubMed 23845948; PubMed 26462614; PubMed 30828547.

NM_000487.6(ARSA):c.448C>T (p.Pro150Ser)

Gene: ARSA (arylsulfatase A; minus strand). Cytogenetic location: 22q13.33.
Variant type: single nucleotide variant.
Coding change: c.448C>T on transcript NM_000487.6 (MANE Select); coding-DNA position 448, C replaced by T.
Protein change: p.Pro150Ser; replaces proline 150 with serine.
Molecular consequence: missense variant.
Genome position (GRCh38, 1-based): chr22:50,627,183, G>A on the plus strand (C>T on the coding strand, the complement: ARSA is on the minus strand). VCF-style: chr22-50627183-G-A. GRCh37 (hg19) VCF-style: chr22-51065611-G-A.
Other names: c.190C>T, p.Pro64Ser (NM_001085428.3, NM_001362782.2); c.448C>T, p.Pro150Ser (NM_001085425.3, NM_001085426.3, NM_001085427.3); short protein forms P64S, P150S.
Identifiers: ClinVar variation 1389782 (VCV001389782.8), dbSNP rs1569081077, ClinGen allele CA412180070.